The following is an entry in ClinVar:

NM_001103.4(ACTN2):c.2387G>T (p.Arg796Leu)

Gene: ACTN2 (actinin alpha 2; plus strand). Cytogenetic location: 1q43.
Variant type: single nucleotide variant.
Coding change: c.2387G>T on transcript NM_001103.4 (MANE Select); coding-DNA position 2387, G replaced by T.
Protein change: p.Arg796Leu; replaces arginine 796 with leucine.
Molecular consequence: missense variant.
Genome position (GRCh38, 1-based): chr1:236,761,034, G>T. VCF-style: chr1-236761034-G-T. GRCh37 (hg19) VCF-style: chr1-236924334-G-T.
Other names: c.2387G>T, p.Arg796Leu (NM_001278343.2); c.1763G>T, p.Arg588Leu (NM_001278344.2); short protein forms R796L, R588L.
Identifiers: ClinVar variation 222485 (VCV000222485.5), dbSNP rs772409484, ClinGen allele CA077594.
Genomic context (GRCh38, chr1:236,761,034, plus strand): 5'-TGTACCGTTCGTGTACATGTTTCTTTGCCACTTTGCCCCAGGGTGAAGCCGAATTTGCCC[G>T]CATTATGACCCTGGTAGATCCCAACGGGCAAGGCACCGTCACCTTCCAATCCTTCATCGA-3'
Protein context (NP_001094.1, residues 786-806): GYDLGEAEFA[Arg796Leu]IMTLVDPNGQ

ClinVar aggregate classification (germline): Uncertain significance. Review status: criteria provided, multiple submitters, no conflicts (2 of 4 stars). 2 submissions from 2 submitters: Uncertain significance (2). Last evaluated 2023-01-24.

Conditions:
Myopathy, congenital, with structured cores and z-line abnormalities. Also called: MULTIPLE STRUCTURED CORE DISEASE; CONGENITAL MYOPATHY 8. Identifiers: MedGen C5231445, MONDO:0032852, OMIM 618654.
Myopathy, distal, 6, adult-onset, autosomal dominant. Identifiers: MedGen C5203349, MONDO:0032853, OMIM 618655.
Dilated cardiomyopathy 1AA (CMD1AA). Also called: CARDIOMYOPATHY, DILATED, 1AA, WITH OR WITHOUT LEFT VENTRICULAR NONCOMPACTION; CARDIOMYOPATHY, FAMILIAL HYPERTROPHIC, 23, WITH OR WITHOUT LEFT VENTRICULAR NONCOMPACTION; Cardiomyopathy, dilated, 1AA, with or without LVNC. Identifiers: Orphanet 154, MedGen C2677338, MONDO:0012808, OMIM 612158.
Primary familial hypertrophic cardiomyopathy (HCM). Identifiers: Orphanet 99739, MedGen C0949658, MeSH D024741, MONDO:0024573. Inheritance: Various modes of inheritance.

gnomAD v4.1: 2 of 1,614,138 alleles (0.00012%); highest among the groups gnomAD compares: Non-Finnish European, 0.00017%; no homozygotes.

Submissions (2):

Labcorp Genetics (formerly Invitae), Labcorp
Classification: Uncertain significance for Primary familial hypertrophic cardiomyopathy; Dilated cardiomyopathy 1AA. Last evaluated: 2023-01-24. Review status: criteria provided, single submitter. Criteria: Invitae Variant Classification Sherloc (09022015). Collection method: clinical testing. Allele origin: germline.
Comment: In summary, the available evidence is currently insufficient to determine the role of this variant in disease. Therefore, it has been classified as a Variant of Uncertain Significance. Algorithms developed to predict the effect of sequence changes on RNA splicing suggest that this variant may create or strengthen a splice site. Advanced modeling of protein sequence and biophysical properties (such as structural, functional, and spatial information, amino acid conservation, physicochemical variation, residue mobility, and thermodynamic stability) performed at Invitae indicates that this missense variant is expected to disrupt ACTN2 protein function. ClinVar contains an entry for this variant (Variation ID: 222485). This variant has not been reported in the literature in individuals affected with ACTN2-related conditions. This variant is not present in population databases (gnomAD no frequency). This sequence change replaces arginine, which is basic and polar, with leucine, which is neutral and non-polar, at codon 796 of the ACTN2 protein (p.Arg796Leu).

Fulgent Genetics
Classification: Uncertain significance for Dilated cardiomyopathy 1AA; Myopathy, congenital, with structured cores and z-line abnormalities; Myopathy, distal, 6, adult-onset, autosomal dominant. Last evaluated: 2021-09-07. Review status: criteria provided, single submitter. Criteria: ACMG Guidelines, 2015. Collection method: clinical testing. Allele origin: unknown.